The following is an entry in ClinVar:

ClinVar aggregate classification (germline): Benign. Review status: criteria provided, multiple submitters, no conflicts (2 of 4 stars). 2 submissions from 2 submitters: Benign (2). Last evaluated 2024-07-31.

Allele frequency attached by ClinVar (database versions not stated): 1000 Genomes Project 30x 0.22080; 1000 Genomes Project 0.22224; TOPMed 0.26290; gnomAD 0.27875 and 0.27969; gnomAD exomes 0.34068.
gnomAD v4.1: 519,582 of 1,557,316 alleles (33%); highest among the groups gnomAD compares: Non-Finnish European, 36%; 90,174 homozygotes.

Submissions (2):

Unidad de Genómica Garrahan, Hospital de Pediatría Garrahan
Classification: Benign. Last evaluated: 2024-07-31. Review status: criteria provided, single submitter. Criteria: ACMG Guidelines, 2015. Collection method: clinical testing. Allele origin: germline. Affected: no. Observed: 47 variant alleles.
Comment: This variant is classified as Benign based on local population frequency. This variant was detected in 51% of patients studied in a panel designed for Epileptic and Developmental Encephalopathy, Progressive Myoclonus Epilepsy and Abnormal Movements and Neurodegeneration with brain iron accumulation. Number of patients: 47. Only high quality variants are reported.

GeneDx
Classification: Benign. Last evaluated: 2018-06-23. Review status: criteria provided, single submitter. Criteria: GeneDx Variant Classification Process June 2021. Collection method: clinical testing. Allele origin: germline. Affected: yes.

NM_020442.6(VARS2):c.2786-70G>A

Gene: VARS2 (valyl-tRNA synthetase 2, mitochondrial; plus strand). Cytogenetic location: 6p21.33.
Variant type: single nucleotide variant.
Coding change: c.2786-70G>A on transcript NM_020442.6 (MANE Select); 70 bases into the intron before coding-DNA position 2786, G replaced by A.
Molecular consequence: intron variant.
Genome position (GRCh38, 1-based): chr6:30,925,474, G>A. VCF-style: chr6-30925474-G-A. GRCh37 (hg19) VCF-style: chr6-30893251-G-A.
Other names: c.2876-70G>A (NM_001167734.2); c.2366-70G>A (NM_001167733.3).
Identifiers: ClinVar variation 1292281 (VCV001292281.4), dbSNP rs2252856, ClinGen allele CA12186958.